The following is an entry in ClinVar:

NM_000551.4(VHL):c.209A>G (p.Glu70Gly)

Gene: VHL (von Hippel-Lindau tumor suppressor; plus strand). Cytogenetic location: 3p25.3.
Variant type: single nucleotide variant.
Coding change: c.209A>G on transcript NM_000551.4 (MANE Select); coding-DNA position 209, A replaced by G.
Protein change: p.Glu70Gly; replaces glutamic acid 70 with glycine.
Molecular consequence: missense variant.
Genome position (GRCh38, 1-based): chr3:10,142,056, A>G. VCF-style: chr3-10142056-A-G. GRCh37 (hg19) VCF-style: chr3-10183740-A-G.
Other names: c.209A>G, p.Glu70Gly (NM_001354723.2, NM_198156.3); short protein forms E70G.
Identifiers: ClinVar variation 186316 (VCV000186316.21), dbSNP rs786202857, ClinGen allele CA020113.
Genomic context (GRCh38, chr3:10,142,056, plus strand): 5'-CCGAGGAGGAGATGGAGGCCGGGCGGCCGCGGCCCGTGCTGCGCTCGGTGAACTCGCGCG[A>G]GCCCTCCCAGGTCATCTTCTGCAATCGCAGTCCGCGCGTCGTGCTGCCCGTATGGCTCAA-3'
Protein context (NP_000542.1, residues 60-80): RPVLRSVNSR[Glu70Gly]PSQVIFCNRS

ClinVar aggregate classification (germline): Conflicting classifications of pathogenicity. Review status: criteria provided, conflicting classifications (1 of 4 stars). 5 submissions from 5 submitters: Pathogenic (1); Likely pathogenic (1); Uncertain significance (3). Last evaluated 2026-08-09.

Conditions:
Hereditary cancer-predisposing syndrome. Also called: Neoplastic Syndromes, Hereditary; Hereditary neoplastic syndrome; Tumor predisposition; Hereditary Cancer Syndrome. Identifiers: Orphanet 140162, MedGen C0027672, MeSH D009386, MONDO:0015356.
Von Hippel-Lindau syndrome (VHLS). Also called: Von Hippel-Lindau; von Hippel–Lindau syndrome; VHL syndrome. Identifiers: Orphanet 892, MedGen C0019562, MONDO:0008667, OMIM 193300. Disease mechanism: loss of function.
Chuvash polycythemia. Also called: POLYCYTHEMIA, VHL-DEPENDENT. Identifiers: Orphanet 238557, MedGen C1837915, MONDO:0009892, OMIM 263400.
Pheochromocytoma. Also called: MAX-Related Hereditary Paraganglioma-Pheochromocytoma Syndrome. Identifiers: Orphanet 29072, MedGen C0031511, MONDO:0008233, OMIM 171300, HP:0002666.
Nonpapillary renal cell carcinoma. Identifiers: Orphanet 422526, MedGen CN074294, MONDO:0007763, OMIM 144700.

Allele frequency attached by ClinVar (database versions not stated): gnomAD exomes 0.00001 and below 0.00001; TOPMed below 0.00001.
gnomAD v4.1: 3 of 1,606,538 alleles (0.00019%); highest among the groups gnomAD compares: Admixed American, 0.005%; no homozygotes.

Submissions (5):

GeneDx
Classification: Uncertain significance. Last evaluated: 2026-08-09. Review status: criteria provided, single submitter. Criteria: GeneDx Variant Classification Process June 2021. Collection method: clinical testing. Allele origin: germline.
Comment: Observed in an individual with pheochromocytoma (PMID: 34750850); Not observed at significant frequency in large population cohorts (gnomAD); In silico analysis supports that this missense variant has a deleterious effect on protein structure/function; Also known as c.422A>G, p.E141G and p.E111G; This variant is associated with the following publications: (PMID: 9829912, 17661816, 19270817, 19408298, 25078357, 25562111, 25715769, 27439424, 34750850, 38969834)

Labcorp Genetics (formerly Invitae), Labcorp
Classification: Pathogenic for Von Hippel-Lindau syndrome; Chuvash polycythemia. Last evaluated: 2025-08-20. Review status: criteria provided, single submitter. Criteria: Invitae Variant Classification Sherloc (09022015). Collection method: clinical testing. Allele origin: germline.
Comment: This sequence change replaces glutamic acid, which is acidic and polar, with glycine, which is neutral and non-polar, at codon 70 of the VHL protein (p.Glu70Gly). This variant is present in population databases (rs786202857, gnomAD 0.003%). This missense change has been observed in individuals with clinical features of von Hippel-Lindau syndrome (internal data). ClinVar contains an entry for this variant (Variation ID: 186316). Invitae Evidence Modeling of protein sequence and biophysical properties (such as structural, functional, and spatial information, amino acid conservation, physicochemical variation, residue mobility, and thermodynamic stability) indicates that this missense variant is expected to disrupt VHL protein function with a positive predictive value of 95%. This variant disrupts the p.Glu70 amino acid residue in VHL. Other variant(s) that disrupt this residue have been determined to be pathogenic (PMID: 9829912, 17661816, 19270817, 19408298, 25078357, 25562111, 25715769, 27439424; internal data). This suggests that this residue is clinically significant, and that variants that disrupt this residue are likely to be disease-causing. For these reasons, this variant has been classified as Pathogenic.

Ambry Genetics
Classification: Uncertain significance for Hereditary cancer-predisposing syndrome. Last evaluated: 2025-03-07. Review status: criteria provided, single submitter. Criteria: Ambry Variant Classification Scheme 2023. Collection method: clinical testing. Allele origin: germline.
Comment: The p.E70G variant (also known as c.209A>G), located in coding exon 1 of the VHL gene, results from an A to G substitution at nucleotide position 209. The glutamic acid at codon 70 is replaced by glycine, an amino acid with similar properties. This variant has been reported in an individual with a pheochromocytoma and was classified as variant of unknown significance by authors (Parisien-La Salle S et al. Clin Endocrinol (Oxf), 2022 Jun;96:803-811). This variant was determined to be functionally intermediate in one saturation genome editing assay (Buckley M et al. Nat Genet, 2024 Jul;56:1446-1455). Another variant at the same codon, p.E70K (c.208G>A), has been identified in individual(s) with features consistent with von Hippel-Lindau syndrome and has been shown to cause a modest reduction in the ability of the VHL protein to bind with the alpha subunit of the hypoxia-inducible transcription factor (Olschwang S et. al, Hum. Mut. 1998;12:424-30; Hes FJ et. al. Clin. Genet. 2007 Aug;72:122-9; Cho HJ et al. J Korean Med Sci. 2009 Feb;24:77-83; Miller F et al. J Biol Chem. 2005 Mar;280:7986-96). This amino acid position is well conserved in available vertebrate species. In addition, the in silico prediction for this alteration is inconclusive. Based on the available evidence, the clinical significance of this variant remains unclear.

Fulgent Genetics
Classification: Likely pathogenic for Nonpapillary renal cell carcinoma; Pheochromocytoma; Von Hippel-Lindau syndrome; Chuvash polycythemia. Last evaluated: 2024-02-29. Review status: criteria provided, single submitter. Criteria: ACMG Guidelines, 2015. Collection method: clinical testing. Allele origin: germline.

Baylor Genetics
Classification: Uncertain significance for Chuvash polycythemia. Last evaluated: 2023-10-16. Review status: criteria provided, single submitter. Criteria: ACMG Guidelines, 2015. Collection method: clinical testing. Allele origin: unknown.

Literature cited by the submitters: PubMed 9829912 (cited by Labcorp Genetics (formerly Invitae), Labcorp); PubMed 17661816 (cited by Labcorp Genetics (formerly Invitae), Labcorp); PubMed 19270817 (cited by Labcorp Genetics (formerly Invitae), Labcorp); PubMed 19408298 (cited by Labcorp Genetics (formerly Invitae), Labcorp); PubMed 25078357 (cited by Labcorp Genetics (formerly Invitae), Labcorp); PubMed 25562111 (cited by Labcorp Genetics (formerly Invitae), Labcorp); PubMed 25715769 (cited by Labcorp Genetics (formerly Invitae), Labcorp); PubMed 27439424 (cited by Labcorp Genetics (formerly Invitae), Labcorp); PubMed 34750850 (cited by Ambry Genetics); PubMed 38969834 (cited by Ambry Genetics).